The following is an entry in ClinVar:

ClinVar aggregate classification (germline): Likely pathogenic (1 of 4 stars; one submission).

Conditions:
HYPERHOMOCYSTEINEMIA, THROMBOTIC, CBS-RELATED. Identifiers: MedGen C3150344, OMIM 236200.

Submission:

Labcorp Genetics (formerly Invitae), Labcorp
Classification: Likely pathogenic for HYPERHOMOCYSTEINEMIA, THROMBOTIC, CBS-RELATED. Last evaluated: 2026-01-05. Review status: criteria provided, single submitter. Criteria: Invitae Variant Classification Sherloc (09022015). Collection method: clinical testing. Allele origin: germline.
Comment: This sequence change affects a donor splice site in intron 15 of the CBS gene. It is expected to disrupt RNA splicing. Variants that disrupt the donor or acceptor splice site typically lead to a loss of protein function (PMID: 16199547), and loss-of-function variants in CBS are known to be pathogenic (PMID: 10338090, 12124992). This variant is not present in population databases (gnomAD no frequency). This variant has not been reported in the literature in individuals affected with CBS-related conditions. ClinVar contains an entry for this variant (Variation ID: 1474777). Algorithms developed to predict the effect of sequence changes on RNA splicing suggest that this variant may disrupt the consensus splice site. In summary, the currently available evidence indicates that the variant is pathogenic, but additional data are needed to prove that conclusively. Therefore, this variant has been classified as Likely Pathogenic.

Literature cited by the submitters: PubMed 16199547; PubMed 10338090; PubMed 12124992.

NM_000071.3(CBS):c.1467+1G>A

Gene: CBS (cystathionine beta-synthase; minus strand). Cytogenetic location: 21q22.3.
Variant type: single nucleotide variant.
Coding change: c.1467+1G>A on transcript NM_000071.3 (MANE Select); the canonical splice donor site of the intron after coding-DNA position 1467, G replaced by A.
Molecular consequence: splice donor variant.
Genome position (GRCh38, 1-based): chr21:43,058,144, C>T on the plus strand (G>A on the coding strand, the complement: CBS is on the minus strand). VCF-style: chr21-43058144-C-T. GRCh37 (hg19) VCF-style: chr21-44478254-C-T.
Other names: c.1467+1G>A (NM_001320298.2, NM_001178009.3, NM_001178008.3); c.1152+1G>A (NM_001321072.1).
Identifiers: ClinVar variation 1474777 (VCV001474777.6), dbSNP rs111687029, ClinGen allele CA321687394.
Genomic context (GRCh38, chr21:43,058,144, plus strand): 5'-TGTTTGAGCTGCCTGTAGGTGACTGCGCATCTGTTTGAGCTGCCTGTAGGTGACTGGGTA[C>T]CTGTTTGAACTGCTTGTAGATGACTTTGCCAACTTGGTCTGACGGCTGCACCTTCCCGGC-3'